The following is an entry in ClinVar:

ClinVar aggregate classification (germline): Benign (1 of 4 stars; one submission).

Allele frequency attached by ClinVar (database versions not stated): ExAC below 0.00001; TOPMed 0.00008; gnomAD 0.00009; 1000 Genomes Project 30x 0.00016.
gnomAD v4.1: 90 of 1,565,342 alleles (0.0057%); highest among the groups gnomAD compares: Middle Eastern, 0.017%; no homozygotes.

Submission:

GeneDx
Classification: Benign. Last evaluated: 2014-11-24. Review status: criteria provided, single submitter. Criteria: GeneDx Variant Classification (06012015). Collection method: clinical testing. Allele origin: germline. Affected: yes.
Comment: This variant is considered likely benign or benign based on one or more of the following criteria: it is a conservative change, it occurs at a poorly conserved position in the protein, it is predicted to be benign by multiple in silico algorithms, and/or has population frequency not consistent with disease.

NM_024407.5(NDUFS7):c.*10C>T

Gene: NDUFS7 (NADH:ubiquinone oxidoreductase core subunit S7; plus strand). Cytogenetic location: 19p13.3.
Variant type: single nucleotide variant.
Coding change: c.*10C>T on transcript NM_024407.5 (MANE Select); 10 bases downstream of the stop codon, C replaced by T.
Molecular consequence: 3 prime UTR variant.
Genome position (GRCh38, 1-based): chr19:1,395,498, C>T. VCF-style: chr19-1395498-C-T. GRCh37 (hg19) VCF-style: chr19-1395497-C-T.
Other names: c.*1076C>T (NM_001363602.2).
Identifiers: ClinVar variation 214825 (VCV000214825.2), dbSNP rs764046895, ClinGen allele CA322786.